The following is an entry in ClinVar:

NM_007055.4(POLR3A):c.1345A>G (p.Ile449Val)

Gene: POLR3A (RNA polymerase III subunit A; minus strand). Cytogenetic location: 10q22.3.
Variant type: single nucleotide variant.
Coding change: c.1345A>G on transcript NM_007055.4 (MANE Select); coding-DNA position 1345, A replaced by G.
Protein change: p.Ile449Val; replaces isoleucine 449 with valine.
Molecular consequence: missense variant.
Genome position (GRCh38, 1-based): chr10:78,017,661, T>C on the plus strand (A>G on the coding strand, the complement: POLR3A is on the minus strand). VCF-style: chr10-78017661-T-C. GRCh37 (hg19) VCF-style: chr10-79777419-T-C.
Other names: short protein forms I449V.
Identifiers: ClinVar variation 1430824 (VCV001430824.6), dbSNP rs756675053, ClinGen allele CA5571470.

ClinVar aggregate classification (germline): Uncertain significance (1 of 4 stars; one submission).

Allele frequency attached by ClinVar (database versions not stated): ExAC 0.00001; gnomAD 0.00001; TOPMed 0.00001; gnomAD exomes 0.00002.
gnomAD v4.1: 10 of 1,614,024 alleles (0.00062%); highest among the groups gnomAD compares: Admixed American, 0.005%; no homozygotes.

Submission:

Labcorp Genetics (formerly Invitae), Labcorp
Classification: Uncertain significance. Last evaluated: 2021-11-30. Review status: criteria provided, single submitter. Criteria: Invitae Variant Classification Sherloc (09022015). Collection method: clinical testing. Allele origin: germline.
Comment: In summary, the available evidence is currently insufficient to determine the role of this variant in disease. Therefore, it has been classified as a Variant of Uncertain Significance. Algorithms developed to predict the effect of missense changes on protein structure and function output the following: SIFT: "Tolerated"; PolyPhen-2: "Benign"; Align-GVGD: "Class C0". The valine amino acid residue is found in multiple mammalian species, which suggests that this missense change does not adversely affect protein function. This variant has not been reported in the literature in individuals affected with POLR3A-related conditions. This variant is present in population databases (rs756675053, gnomAD 0.009%). This sequence change replaces isoleucine, which is neutral and non-polar, with valine, which is neutral and non-polar, at codon 449 of the POLR3A protein (p.Ile449Val).